The following is an entry in ClinVar:

NM_015450.3(POT1):c.220A>G (p.Lys74Glu)

Gene: POT1 (protection of telomeres 1; minus strand). Cytogenetic location: 7q31.33.
Variant type: single nucleotide variant.
Coding change: c.220A>G on transcript NM_015450.3 (MANE Select); coding-DNA position 220, A replaced by G.
Protein change: p.Lys74Glu; replaces lysine 74 with glutamic acid.
Molecular consequence: missense variant. On other transcripts: non-coding transcript variant (3), intron variant (1).
Genome position (GRCh38, 1-based): chr7:124,870,946, T>C on the plus strand (A>G on the coding strand, the complement: POT1 is on the minus strand). VCF-style: chr7-124870946-T-C. GRCh37 (hg19) VCF-style: chr7-124511000-T-C.
Other names: c.-138-7306A>G (NM_001042594.2); c.220A>G (NM_015450.2); short protein forms K74E.
Identifiers: ClinVar variation 2702783 (VCV002702783.4), dbSNP rs2485504802, ClinGen allele CA369061392.
Genomic context (GRCh38, chr7:124,870,946, plus strand): 5'-AAGTTCTAGACAATATGAATTATACCTTCAGCCTGTGAAAGCGAACAATATCTCCATTTT[T>C]ATAAATTATTGGAAGGGCTTCATAGTTTCCACTAAAGAGCAGGCAAGTTAGTTTTACATT-3'
Protein context (NP_056265.2, residues 64-84): GNYEALPIIY[Lys74Glu]NGDIVRFHRL

ClinVar aggregate classification (germline): Uncertain significance. Review status: criteria provided, multiple submitters, no conflicts (2 of 4 stars). 2 submissions from 2 submitters: Uncertain significance (2). Last evaluated 2025-05-16.

Conditions:
Tumor predisposition syndrome 3 (TPDS3). Also called: Glioma susceptibility 9; LONG TELOMERE SYNDROME, POT1-RELATED; POT1 Tumor Predisposition; Melanoma, cutaneous malignant, susceptibility to, 10. Identifiers: Orphanet 618, MedGen C4014476, MONDO:0014368, OMIM 615848.
Hereditary cancer-predisposing syndrome. Also called: Neoplastic Syndromes, Hereditary; Tumor predisposition; Hereditary Cancer Syndrome; Hereditary neoplastic syndrome. Identifiers: Orphanet 140162, MedGen C0027672, MeSH D009386, MONDO:0015356.

Submissions (2):

Ambry Genetics
Classification: Uncertain significance for Hereditary cancer-predisposing syndrome. Last evaluated: 2025-05-16. Review status: criteria provided, single submitter. Criteria: Ambry Variant Classification Scheme 2023. Collection method: clinical testing. Allele origin: germline.
Comment: The p.K74E variant (also known as c.220A>G), located in coding exon 3 of the POT1 gene, results from an A to G substitution at nucleotide position 220. The lysine at codon 74 is replaced by glutamic acid, an amino acid with similar properties. This amino acid position is highly conserved in available vertebrate species. In addition, the in silico prediction for this alteration is inconclusive. Based on the available evidence, the clinical significance of this variant remains unclear.

Labcorp Genetics (formerly Invitae), Labcorp
Classification: Uncertain significance for Tumor predisposition syndrome 3. Last evaluated: 2023-12-13. Review status: criteria provided, single submitter. Criteria: Invitae Variant Classification Sherloc (09022015). Collection method: clinical testing. Allele origin: germline.
Comment: This sequence change replaces lysine, which is basic and polar, with glutamic acid, which is acidic and polar, at codon 74 of the POT1 protein (p.Lys74Glu). This variant is not present in population databases (gnomAD no frequency). This variant has not been reported in the literature in individuals affected with POT1-related conditions. Advanced modeling of protein sequence and biophysical properties (such as structural, functional, and spatial information, amino acid conservation, physicochemical variation, residue mobility, and thermodynamic stability) performed at Invitae indicates that this missense variant is not expected to disrupt POT1 protein function with a negative predictive value of 80%. In summary, the available evidence is currently insufficient to determine the role of this variant in disease. Therefore, it has been classified as a Variant of Uncertain Significance.